The following is an entry in ClinVar:

NC_000022.10:g.(?_29083885)_(29130709_?)del

Gene: CHEK2 (checkpoint kinase 2; minus strand). Cytogenetic location: 22q12.1.
Variant type: Deletion.
Identifiers: ClinVar variation 1068608 (VCV001068608.6).

ClinVar aggregate classification (germline): Pathogenic (1 of 4 stars; one submission).

Conditions:
Familial cancer of breast. Also called: hereditary breast carcinoma; BREAST CANCER, FAMILIAL; Hereditary breast cancer. Identifiers: Orphanet 227535, MedGen C0346153, MONDO:0016419, OMIM 114480. Disease mechanism: loss of function.

Submission:

Labcorp Genetics (formerly Invitae), Labcorp
Classification: Pathogenic for Familial cancer of breast. Last evaluated: 2024-01-24. Review status: criteria provided, single submitter. Criteria: Invitae Variant Classification Sherloc (09022015). Collection method: clinical testing. Allele origin: germline.
Comment: A gross deletion of the genomic region encompassing the full coding sequence of the CHEK2 gene has been identified. Loss-of-function variants in CHEK2 are known to be pathogenic (PMID: 21876083, 24713400). The boundaries of this event are unknown as they extend beyond the assayed region for this gene and therefore may encompass additional genes. A similar copy number variant has been observed in individual(s) with breast cancer (PMID: 30580288). For these reasons, this variant has been classified as Pathogenic.

Literature cited by the submitters: PubMed 21876083; PubMed 24713400; PubMed 30580288.